The following is an entry in ClinVar:

NM_000179.3(MSH6):c.3532G>A (p.Gly1178Ser)

Gene: MSH6 (mutS homolog 6; plus strand). Cytogenetic location: 2p16.3.
Variant type: single nucleotide variant.
Coding change: c.3532G>A on transcript NM_000179.3 (MANE Select); coding-DNA position 3532, G replaced by A.
Protein change: p.Gly1178Ser; replaces glycine 1178 with serine.
Molecular consequence: missense variant.
Genome position (GRCh38, 1-based): chr2:47,805,003, G>A. VCF-style: chr2-47805003-G-A. GRCh37 (hg19) VCF-style: chr2-48032142-G-A.
Other names: c.3142G>A, p.Gly1048Ser (NM_001281492.2); c.2626G>A, p.Gly876Ser (NM_001281493.2, NM_001281494.2); short protein forms G1178S, G876S, G1048S.
Identifiers: ClinVar variation 577926 (VCV000577926.9), dbSNP rs1558389590, ClinGen allele CA346760231.
Genomic context (GRCh38, chr2:47,805,003, plus strand): 5'-TGTTACGTCCCTGCTGAAGTGTGCAGGCTCACACCAATTGATAGAGTGTTTACTAGACTT[G>A]GTGCCTCAGACAGAATAATGTCAGGTGAGTTTTTTGTTTCCCACTTAAGTTCTCATTCAG-3'
Protein context (NP_000170.1, residues 1168-1188): TPIDRVFTRL[Gly1178Ser]ASDRIMSGES

ClinVar aggregate classification (germline): Uncertain significance (1 of 4 stars; one submission).

Conditions:
Hereditary nonpolyposis colorectal neoplasms. Identifiers: MedGen C0009405, MeSH D003123.

Submission:

Labcorp Genetics (formerly Invitae), Labcorp
Classification: Uncertain significance for Hereditary nonpolyposis colorectal neoplasms. Last evaluated: 2018-06-09. Review status: criteria provided, single submitter. Criteria: Invitae Variant Classification Sherloc (09022015). Collection method: clinical testing. Allele origin: germline.
Comment: This sequence change replaces glycine with serine at codon 1178 of the MSH6 protein (p.Gly1178Ser). The glycine residue is highly conserved and there is a small physicochemical difference between glycine and serine. This variant is not present in population databases (ExAC no frequency). This variant has not been reported in the literature in individuals with MSH6-related disease. Algorithms developed to predict the effect of missense changes on protein structure and function (SIFT, PolyPhen-2, Align-GVGD) all suggest that this variant is likely to be disruptive, but these predictions have not been confirmed by published functional studies and their clinical significance is uncertain. In summary, the available evidence is currently insufficient to determine the role of this variant in disease. Therefore, it has been classified as a Variant of Uncertain Significance.